The following is an entry in ClinVar:

NM_006904.7(PRKDC):c.1582G>C (p.Val528Leu)

Gene: PRKDC (protein kinase, DNA-activated, catalytic subunit; minus strand). Cytogenetic location: 8q11.21.
Variant type: single nucleotide variant.
Coding change: c.1582G>C on transcript NM_006904.7 (MANE Select); coding-DNA position 1582, G replaced by C.
Protein change: p.Val528Leu; replaces valine 528 with leucine.
Molecular consequence: missense variant.
Genome position (GRCh38, 1-based): chr8:47,934,006, C>G on the plus strand (G>C on the coding strand, the complement: PRKDC is on the minus strand). VCF-style: chr8-47934006-C-G. GRCh37 (hg19) VCF-style: chr8-48846566-C-G.
Other names: c.1582G>C, p.Val528Leu (NM_001081640.2); short protein forms V528L.
Identifiers: ClinVar variation 1969923 (VCV001969923.4), dbSNP rs533171314, ClinGen allele CA4741693.
Genomic context (GRCh38, chr8:47,934,006, plus strand): 5'-TTTCAATGGTAAATGTTACCATCATCTGGTCAGAGCTCAGGAGATGTCTGAAGAGATCCA[C>G]GTAGTCTTTGTATGTGGGCACCTTCCATTTGCCAGTTCTGACTTCCCCTGAAGCACGGTG-3'
Protein context (NP_008835.5, residues 518-538): KWKVPTYKDY[Val528Leu]DLFRHLLSSD

ClinVar aggregate classification (germline): Conflicting classifications of pathogenicity. Review status: criteria provided, conflicting classifications (1 of 4 stars). 2 submissions from 2 submitters: Uncertain significance (1); Likely benign (1). Last evaluated 2023-12-08.

Conditions:
Severe combined immunodeficiency due to DNA-PKcs deficiency. Also called: IMMUNODEFICIENCY 26 WITH NEUROLOGIC ABNORMALITIES; Immunodeficiency 26 with or without neurologic abnormalities. Identifiers: Orphanet 317425, MedGen C4014833, MONDO:0014423, OMIM 615966.

Allele frequency attached by ClinVar (database versions not stated): 1000 Genomes Project 30x 0.00016.
gnomAD v4.1: 1 of 1,613,484 alleles (0.000062%); highest among the groups gnomAD compares: Admixed American, 0.0017%; no homozygotes.

Submissions (2):

Ambry Genetics
Classification: Likely benign. Last evaluated: 2023-12-08. Review status: criteria provided, single submitter. Criteria: Ambry Variant Classification Scheme 2023. Collection method: clinical testing. Allele origin: germline.

Labcorp Genetics (formerly Invitae), Labcorp
Classification: Uncertain significance for Severe combined immunodeficiency due to DNA-PKcs deficiency. Last evaluated: 2022-11-01. Review status: criteria provided, single submitter. Criteria: Invitae Variant Classification Sherloc (09022015). Collection method: clinical testing. Allele origin: germline.
Comment: Advanced modeling of protein sequence and biophysical properties (such as structural, functional, and spatial information, amino acid conservation, physicochemical variation, residue mobility, and thermodynamic stability) performed at Invitae indicates that this missense variant is not expected to disrupt PRKDC protein function. In summary, the available evidence is currently insufficient to determine the role of this variant in disease. Therefore, it has been classified as a Variant of Uncertain Significance. This variant has not been reported in the literature in individuals affected with PRKDC-related conditions. This variant is present in population databases (rs533171314, gnomAD 0.003%). This sequence change replaces valine, which is neutral and non-polar, with leucine, which is neutral and non-polar, at codon 528 of the PRKDC protein (p.Val528Leu).